The following is an entry in ClinVar:

NM_024664.4(PPCS):c.397A>T (p.Arg133Trp)

Genes: CCDC30 (coiled-coil domain containing 30; plus strand), PPCS (phosphopantothenoylcysteine synthetase; plus strand). Cytogenetic location: 1p34.2.
Variant type: single nucleotide variant.
Coding change: c.397A>T on transcript NM_024664.4 (MANE Select); coding-DNA position 397, A replaced by T.
Protein change: p.Arg133Trp; replaces arginine 133 with tryptophan.
Molecular consequence: missense variant. On other transcripts: 5 prime UTR variant (1), intron variant (6).
Genome position (GRCh38, 1-based): chr1:42,456,962, A>T. VCF-style: chr1-42456962-A-T. GRCh37 (hg19) VCF-style: chr1-42922633-A-T.
Other names: p.Arg133Trp; c.-296A>T (NM_001287510.2); c.397A>T, p.Arg133Trp (NM_001287511.2); c.-983-285A>T (NM_001355226.2); c.-327-285A>T (NM_001287507.1); c.-11-285A>T (NM_001287506.1, NM_001077447.3, NM_001287509.2); c.-12+238A>T (NM_001287508.2); short protein forms R133W.
Identifiers: ClinVar variation 1512518 (VCV001512518.9), dbSNP rs199807362, ClinGen allele CA799963.

ClinVar aggregate classification (germline): Conflicting classifications of pathogenicity. Review status: criteria provided, conflicting classifications (1 of 4 stars). 4 submissions from 4 submitters: Uncertain significance (2); Likely benign (2). Last evaluated 2026-01-11.

Conditions:
Inborn genetic diseases. Identifiers: MedGen C0950123, MeSH D030342.

Allele frequency attached by ClinVar (database versions not stated): gnomAD 0.00039 and 0.00038; gnomAD exomes 0.00062 and 0.00033; ESP Exome Variant Server 0.00033; ExAC 0.00036.
gnomAD v4.1: 967 of 1,604,040 alleles (0.06%); highest among the groups gnomAD compares: Non-Finnish European, 0.074%; 4 homozygotes.

Submissions (4):

Labcorp Genetics (formerly Invitae), Labcorp
Classification: Likely benign. Last evaluated: 2026-01-11. Review status: criteria provided, single submitter. Criteria: Invitae Variant Classification Sherloc (09022015). Collection method: clinical testing. Allele origin: germline.

Mayo Clinic Laboratories, Mayo Clinic
Classification: Uncertain significance. Last evaluated: 2025-08-27. Review status: criteria provided, single submitter. Criteria: ACMG Guidelines, 2015. Collection method: clinical testing. Allele origin: germline. Observed: 2 variant alleles.
Comment: BP4

Molecular Diagnostic Laboratory for Inherited Cardiovascular Disease, Montreal Heart Institute
Classification: Likely benign. Last evaluated: 2025-04-09. Review status: criteria provided, single submitter. Criteria: ACMG Guidelines, 2015. Collection method: clinical testing. Allele origin: germline. Affected: no.
Comment: BS1

Ambry Genetics
Classification: Uncertain significance for Inborn genetic diseases. Last evaluated: 2021-09-01. Review status: criteria provided, single submitter. Criteria: Ambry Variant Classification Scheme 2023. Collection method: clinical testing. Allele origin: germline.